The following is an entry in ClinVar:

NM_007215.4(POLG2):c.341G>A (p.Trp114Ter)

Genes: MILR1 (mast cell immunoglobulin like receptor 1; plus strand), POLG2 (DNA polymerase gamma 2, accessory subunit; minus strand). Cytogenetic location: 17q23.3.
Variant type: single nucleotide variant.
Coding change: c.341G>A on transcript NM_007215.4 (MANE Select); coding-DNA position 341, G replaced by A.
Protein change: p.Trp114Ter; replaces tryptophan 114 with a stop codon.
Molecular consequence: nonsense.
Genome position (GRCh38, 1-based): chr17:64,496,628, C>T on the plus strand (G>A on the coding strand, the complement: POLG2 is on the minus strand). VCF-style: chr17-64496628-C-T. GRCh37 (hg19) VCF-style: chr17-62492746-C-T.
Other names: short protein forms W114*.
Identifiers: ClinVar variation 420611 (VCV000420611.6), dbSNP rs1064794586, ClinGen allele CA16620558.

ClinVar aggregate classification (germline): Conflicting classifications of pathogenicity. Review status: criteria provided, conflicting classifications (1 of 4 stars). 2 submissions from 2 submitters: Pathogenic (1); Uncertain significance (1). Last evaluated 2023-04-15.

Allele frequency attached by ClinVar (database versions not stated): gnomAD 0.00001; gnomAD exomes 0.00001.
gnomAD v4.1: 4 of 1,613,934 alleles (0.00025%); highest among the groups gnomAD compares: East Asian, 0.0022%; no homozygotes.

Submissions (2):

Labcorp Genetics (formerly Invitae), Labcorp
Classification: Pathogenic. Last evaluated: 2023-04-15. Review status: criteria provided, single submitter. Criteria: Invitae Variant Classification Sherloc (09022015). Collection method: clinical testing. Allele origin: germline.
Comment: For these reasons, this variant has been classified as Pathogenic. ClinVar contains an entry for this variant (Variation ID: 420611). This sequence change creates a premature translational stop signal (p.Trp114*) in the POLG2 gene. It is expected to result in an absent or disrupted protein product. Loss-of-function variants in POLG2 are known to be pathogenic (PMID: 28078310, 29625556). This variant is present in population databases (no rsID available, gnomAD 0.06%). This variant has not been reported in the literature in individuals affected with POLG2-related conditions.

GeneDx
Classification: Uncertain significance. Last evaluated: 2020-05-14. Review status: criteria provided, single submitter. Criteria: GeneDx Variant Classification Process June 2021. Collection method: clinical testing. Allele origin: germline. Affected: yes.
Comment: Not observed at a significant frequency in large population cohorts (Lek et al., 2016); Nonsense variant predicted to result in protein truncation or nonsense mediated decay in a gene for which loss-of-function is not a known mechanism of disease; Has not been previously published as pathogenic or benign to our knowledge

Literature cited by the submitters: PubMed 28078310 (cited by Labcorp Genetics (formerly Invitae), Labcorp); PubMed 29625556 (cited by Labcorp Genetics (formerly Invitae), Labcorp).